The following is an entry in ClinVar:

ClinVar aggregate classification (germline): Uncertain significance. Review status: criteria provided, multiple submitters, no conflicts (2 of 4 stars). 3 submissions from 3 submitters: Uncertain significance (3). Last evaluated 2025-12-19.

Conditions:
Inborn genetic diseases. Identifiers: MedGen C0950123, MeSH D030342.
Nemaline myopathy 2 (NEM2). Also called: Nemaline myopathy 2, autosomal recessive. Identifiers: MedGen C1850569, MONDO:0009725, OMIM 256030.

Allele frequency attached by ClinVar (database versions not stated): gnomAD 0.00001; gnomAD exomes 0.00001.
gnomAD v4.1: 4 of 1,613,718 alleles (0.00025%); highest among the groups gnomAD compares: East Asian, 0.0022%; no homozygotes.

Submissions (3):

Labcorp Genetics (formerly Invitae), Labcorp
Classification: Uncertain significance for Nemaline myopathy 2. Last evaluated: 2025-12-19. Review status: criteria provided, single submitter. Criteria: Invitae Variant Classification Sherloc (09022015). Collection method: clinical testing. Allele origin: germline.
Comment: This sequence change replaces lysine, which is basic and polar, with glutamic acid, which is acidic and polar, at codon 2193 of the NEB protein (p.Lys2193Glu). This variant is present in population databases (no rsID available, gnomAD 0.007%). This variant has not been reported in the literature in individuals affected with NEB-related conditions. ClinVar contains an entry for this variant (Variation ID: 2434100). Experimental studies and prediction algorithms are not available or were not evaluated, and the functional significance of this variant is currently unknown. In summary, the available evidence is currently insufficient to determine the role of this variant in disease. Therefore, it has been classified as a Variant of Uncertain Significance.

Ambry Genetics
Classification: Uncertain significance for Inborn genetic diseases. Last evaluated: 2025-02-25. Review status: criteria provided, single submitter. Criteria: Ambry Variant Classification Scheme 2023. Collection method: clinical testing. Allele origin: germline.

Revvity Omics, Revvity
Classification: Uncertain significance. Last evaluated: 2019-05-03. Review status: criteria provided, single submitter. Criteria: ACMG Guidelines, 2015. Collection method: clinical testing. Allele origin: germline.

NM_001164508.2(NEB):c.6577A>G (p.Lys2193Glu)

Gene: NEB (nebulin; minus strand). Cytogenetic location: 2q23.3.
Variant type: single nucleotide variant.
Coding change: c.6577A>G on transcript NM_001164508.2 (MANE Select); coding-DNA position 6577, A replaced by G.
Protein change: p.Lys2193Glu; replaces lysine 2193 with glutamic acid.
Molecular consequence: missense variant.
Genome position (GRCh38, 1-based): chr2:151,655,942, T>C on the plus strand (A>G on the coding strand, the complement: NEB is on the minus strand). VCF-style: chr2-151655942-T-C. GRCh37 (hg19) VCF-style: chr2-152512456-T-C.
Other names: c.6577A>G, p.Lys2193Glu (NM_001271208.2, NM_004543.5, NM_001164507.2); c.6577A>G (NM_004543.4); short protein forms K2193E.
Identifiers: ClinVar variation 2434100 (VCV002434100.7), dbSNP rs1373545076, ClinGen allele CA348797417.
Genomic context (GRCh38, chr2:151,655,942, plus strand): 5'-ACTGGAAGTTGCTCGGGTGCTGGCGGTATTTCTGATCACTGGCATATTCAGTTGCTTTCT[T>C]GGCCTTCTCCACTTCCAGAGAACCTGCTGGACTCCAGCCAAGCCCTTTGTACCATTCATT-3'
Protein context (NP_001157980.2, residues 2183-2203): PAGSLEVEKA[Lys2193Glu]KATEYASDQK